The following is an entry in ClinVar:

NM_001352514.2(HLCS):c.1646G>A (p.Trp549Ter)

Gene: HLCS (holocarboxylase synthetase; minus strand). Cytogenetic location: 21q22.13.
Variant type: single nucleotide variant.
Coding change: c.1646G>A on transcript NM_001352514.2 (MANE Select); coding-DNA position 1646, G replaced by A.
Protein change: p.Trp549Ter; replaces tryptophan 549 with a stop codon.
Molecular consequence: nonsense. On other transcripts: non-coding transcript variant (2).
Genome position (GRCh38, 1-based): chr21:36,897,106, C>T on the plus strand (G>A on the coding strand, the complement: HLCS is on the minus strand). VCF-style: chr21-36897106-C-T. GRCh37 (hg19) VCF-style: chr21-38269406-C-T.
Other names: c.1205G>A (NM_000411.7); c.1205G>A, p.Trp402Ter (NM_000411.8, NM_001242784.3, NM_001242785.2 and 4 more transcripts); short protein forms W402*, W549*.
Identifiers: ClinVar variation 1075784 (VCV001075784.12), dbSNP rs1342457304, ClinGen allele CA409966780.
Genomic context (GRCh38, chr21:36,897,106, plus strand): 5'-AATCTAAGAGAGAGCTGGCCGGATTTTATTTCTCCCTCGGAGTCCACATGTTTCCCAAGC[C>T]ACTGCATAAGAGGATCCCTGATTTCCTGTGTCATAAAGAAAGAAATGAGATGGTCGTAAT-3'

ClinVar aggregate classification (germline): Pathogenic/Likely pathogenic. Review status: criteria provided, multiple submitters, no conflicts (2 of 4 stars). 3 submissions from 3 submitters: Pathogenic (1); Likely pathogenic (2). Last evaluated 2025-07-18.

Conditions:
Holocarboxylase synthetase deficiency. Also called: MULTIPLE CARBOXYLASE DEFICIENCY, EARLY ONSET. Identifiers: Orphanet 79242, MedGen C0268581, MONDO:0009666, OMIM 253270.

Allele frequency attached by ClinVar (database versions not stated): TOPMed below 0.00001; gnomAD exomes 0.00001.
gnomAD v4.1: 13 of 1,614,114 alleles (0.00081%); highest among the groups gnomAD compares: Non-Finnish European, 0.0011%; no homozygotes.

Submissions (3):

Natera, Inc.
Classification: Likely pathogenic for Holocarboxylase synthetase deficiency. Last evaluated: 2025-07-18. Review status: criteria provided, single submitter. Criteria: Natera Variant Classification Schema (03/2026). Collection method: clinical testing. Allele origin: germline.
Comment: The c.1205G>A variant in HLCS is a nonsense variant predicted to introduce a stop codon at amino acid 402. This variant is expected to result in nonsense mediated decay, truncation, or a dysfunctional protein product. This variant is rare in the general population with a frequency below the threshold expected for the associated phenotype(s). Given the available evidence, this variant is classified as Likely Pathogenic.

Labcorp Genetics (formerly Invitae), Labcorp
Classification: Pathogenic for Holocarboxylase synthetase deficiency. Last evaluated: 2024-03-10. Review status: criteria provided, single submitter. Criteria: Invitae Variant Classification Sherloc (09022015). Collection method: clinical testing. Allele origin: germline.
Comment: This sequence change creates a premature translational stop signal (p.Trp402*) in the HLCS gene. It is expected to result in an absent or disrupted protein product. Loss-of-function variants in HLCS are known to be pathogenic (PMID: 16134170). This variant is not present in population databases (gnomAD no frequency). This variant has not been reported in the literature in individuals affected with HLCS-related conditions. ClinVar contains an entry for this variant (Variation ID: 1075784). For these reasons, this variant has been classified as Pathogenic.

Fulgent Genetics
Classification: Likely pathogenic for Holocarboxylase synthetase deficiency. Last evaluated: 2024-01-23. Review status: criteria provided, single submitter. Criteria: ACMG Guidelines, 2015. Collection method: clinical testing. Allele origin: germline.

Literature cited by the submitters: PubMed 16134170 (cited by Labcorp Genetics (formerly Invitae), Labcorp).